The following is an entry in ClinVar:

ClinVar aggregate classification (germline): Uncertain significance (1 of 4 stars; one submission).

Submission:

Labcorp Genetics (formerly Invitae), Labcorp
Classification: Uncertain significance. Last evaluated: 2020-03-12. Review status: criteria provided, single submitter. Criteria: Invitae Variant Classification Sherloc (09022015). Collection method: clinical testing. Allele origin: germline.
Comment: This variant has not been reported in the literature in individuals with KIF11-related conditions. In summary, the available evidence is currently insufficient to determine the role of this variant in disease. Therefore, it has been classified as a Variant of Uncertain Significance. Algorithms developed to predict the effect of missense changes on protein structure and function (SIFT, PolyPhen-2, Align-GVGD) all suggest that this variant is likely to be tolerated, but these predictions have not been confirmed by published functional studies and their clinical significance is uncertain. This variant is not present in population databases (ExAC no frequency). This sequence change replaces valine with isoleucine at codon 407 of the KIF11 protein (p.Val407Ile). The valine residue is weakly conserved and there is a small physicochemical difference between valine and isoleucine.

NM_004523.4(KIF11):c.1219G>A (p.Val407Ile)

Gene: KIF11 (kinesin family member 11; plus strand). Cytogenetic location: 10q23.33.
Variant type: single nucleotide variant.
Coding change: c.1219G>A on transcript NM_004523.4 (MANE Select); coding-DNA position 1219, G replaced by A.
Protein change: p.Val407Ile; replaces valine 407 with isoleucine.
Molecular consequence: missense variant.
Genome position (GRCh38, 1-based): chr10:92,628,809, G>A. VCF-style: chr10-92628809-G-A. GRCh37 (hg19) VCF-style: chr10-94388566-G-A.
Other names: short protein forms V407I.
Identifiers: ClinVar variation 1018011 (VCV001018011.8), dbSNP rs1241389903, ClinGen allele CA377591359.